The following is an entry in ClinVar:

ClinVar aggregate classification (germline): Conflicting classifications of pathogenicity. Review status: criteria provided, conflicting classifications (1 of 4 stars). 3 submissions from 3 submitters: Uncertain significance (2); Likely benign (1). Last evaluated 2025-09-04.

Conditions:
Congenital contractural arachnodactyly (CCA). Also called: BEALS SYNDROME; Beals-Hecht syndrome; Arthrogryposis, distal, type 9. Identifiers: Orphanet 115, MedGen C0220668, MONDO:0007363, OMIM 121050.
Familial thoracic aortic aneurysm and aortic dissection (TAAD). Also called: Thoracic aortic aneurysms and dissections. Identifiers: Orphanet 91387, MedGen C4707243, MONDO:0019625.

Allele frequency attached by ClinVar (database versions not stated): TOPMed 0.00001; gnomAD 0.00002.
gnomAD v4.1: 9 of 1,614,006 alleles (0.00056%); highest among the groups gnomAD compares: Admixed American, 0.0017%; no homozygotes.

Submissions (3):

Labcorp Genetics (formerly Invitae), Labcorp
Classification: Likely benign for Congenital contractural arachnodactyly. Last evaluated: 2025-09-04. Review status: criteria provided, single submitter. Criteria: Invitae Variant Classification Sherloc (09022015). Collection method: clinical testing. Allele origin: germline.

Ambry Genetics
Classification: Uncertain significance for Familial thoracic aortic aneurysm and aortic dissection. Last evaluated: 2024-12-23. Review status: criteria provided, single submitter. Criteria: Ambry Variant Classification Scheme 2023. Collection method: clinical testing. Allele origin: germline.
Comment: The p.P740R variant (also known as c.2219C>G), located in coding exon 16 of the FBN2 gene, results from a C to G substitution at nucleotide position 2219. The proline at codon 740 is replaced by arginine, an amino acid with dissimilar properties. This amino acid position is highly conserved in available vertebrate species. In addition, this alteration is predicted to be deleterious by in silico analysis. Based on the available evidence, the clinical significance of this variant remains unclear.

GeneDx
Classification: Uncertain significance. Last evaluated: 2023-01-25. Review status: criteria provided, single submitter. Criteria: GeneDx Variant Classification Process June 2021. Collection method: clinical testing. Allele origin: germline. Affected: yes.
Comment: In silico analysis supports that this missense variant has a deleterious effect on protein structure/function; Has not been previously published as pathogenic or benign to our knowledge

NM_001999.4(FBN2):c.2219C>G (p.Pro740Arg)

Gene: FBN2 (fibrillin 2; minus strand). Cytogenetic location: 5q23.3.
Variant type: single nucleotide variant.
Coding change: c.2219C>G on transcript NM_001999.4 (MANE Select); coding-DNA position 2219, C replaced by G.
Protein change: p.Pro740Arg; replaces proline 740 with arginine.
Molecular consequence: missense variant.
Genome position (GRCh38, 1-based): chr5:128,369,211, G>C on the plus strand (C>G on the coding strand, the complement: FBN2 is on the minus strand). VCF-style: chr5-128369211-G-C. GRCh37 (hg19) VCF-style: chr5-127704904-G-C.
Other names: short protein forms P740R.
Identifiers: ClinVar variation 1199818 (VCV001199818.16), dbSNP rs1204171410, ClinGen allele CA360738863.